The following is an entry in ClinVar:

ClinVar aggregate classification (germline): Likely benign (1 of 4 stars; one submission).

Allele frequency attached by ClinVar (database versions not stated): 1000 Genomes Project 30x 0.00281; 1000 Genomes Project 0.00339; TOPMed 0.00352; ESP Exome Variant Server 0.00469; gnomAD 0.00632; gnomAD exomes 0.00693; ExAC 0.00731.
gnomAD v4.1: 11,015 of 1,614,012 alleles (0.68%); highest among the groups gnomAD compares: Non-Finnish European, 0.68%; 72 homozygotes.

Submission:

CeGaT Center for Human Genetics Tuebingen
Classification: Likely benign. Last evaluated: 2022-06-01. Review status: criteria provided, single submitter. Criteria: CeGaT Center For Human Genetics Tuebingen Variant Classification Criteria Version 2. Collection method: clinical testing. Allele origin: germline. Affected: yes. Observed: 1 variant allele.
Comment: IGF2R: BP4, BP7

NM_000876.4(IGF2R):c.603C>T (p.Ser201=)

Gene: IGF2R (insulin like growth factor 2 receptor; plus strand). Cytogenetic location: 6q25.3.
Variant type: single nucleotide variant.
Coding change: c.603C>T on transcript NM_000876.4 (MANE Select); coding-DNA position 603, C replaced by T.
Protein change: p.Ser201=; no amino-acid change (serine 201 retained).
Molecular consequence: synonymous variant.
Genome position (GRCh38, 1-based): chr6:160,024,661, C>T. VCF-style: chr6-160024661-C-T. GRCh37 (hg19) VCF-style: chr6-160445693-C-T.
Identifiers: ClinVar variation 2657098 (VCV002657098.24), dbSNP rs11759563, ClinGen allele CA4081335.
Genomic context (GRCh38, chr6:160,024,661, plus strand): 5'-GAGGAAGCATGATCTCAATCCTCTGATCAAGCTTAGTGGTGCCTACTTGGTGGATGACTC[C>T]GATCCGGACACTTCTCTATTCATCAATGTTTGTAGAGACATAGGTATGAATCTTTGTGGG-3'
Protein context (NP_000867.3, residues 191-211): KLSGAYLVDD[Ser201=]DPDTSLFINV